The following is an entry in ClinVar:

NM_019066.5(MAGEL2):c.3263T>C (p.Ile1088Thr)

Gene: MAGEL2 (MAGE family member L2; minus strand). Cytogenetic location: 15q11.2.
Variant type: single nucleotide variant.
Coding change: c.3263T>C on transcript NM_019066.5 (MANE Select); coding-DNA position 3263, T replaced by C.
Protein change: p.Ile1088Thr; replaces isoleucine 1088 with threonine.
Molecular consequence: missense variant.
Genome position (GRCh38, 1-based): chr15:23,644,480, A>G on the plus strand (T>C on the coding strand, the complement: MAGEL2 is on the minus strand). VCF-style: chr15-23644480-A-G. GRCh37 (hg19) VCF-style: chr15-23889627-A-G.
Other names: short protein forms I1088T.
Identifiers: ClinVar variation 3358436 (VCV003358436.1).
Genomic context (GRCh38, chr15:23,644,480, plus strand): 5'-GGCCTGTCTAAATAGGATGCCACCAAATTCCCTGTATGGTAGCCCAGCTTGTTGATGATA[A>G]TATAGGCGTGGTTTTTGGTATCAATTTCTTTCAATTGATAACCAAAGGCACACTCCAGCT-3'
Protein context (NP_061939.3, residues 1078-1098): KEIDTKNHAY[Ile1088Thr]IINKLGYHTG

ClinVar aggregate classification (germline): Uncertain significance (0 of 4 stars; one submission).

Conditions:
MAGEL2-related disorder. Also called: MAGEL2-related condition.

Submission:

PreventionGenetics, part of Exact Sciences
Classification: Uncertain significance for MAGEL2-related condition. Last evaluated: 2023-10-18. Review status: no assertion criteria provided. Collection method: clinical testing. Allele origin: germline.
Comment: The MAGEL2 c.3263T>C variant is predicted to result in the amino acid substitution p.Ile1088Thr. To our knowledge, this variant has not been reported in the literature or in a large population database, indicating this variant is rare. At this time, the clinical significance of this variant is uncertain due to the absence of conclusive functional and genetic evidence.